The following is an entry in ClinVar:

ClinVar aggregate classification (germline): Uncertain significance. Review status: criteria provided, multiple submitters, no conflicts (2 of 4 stars). 2 submissions from 2 submitters: Uncertain significance (2). Last evaluated 2024-02-12.

Conditions:
Developmental and epileptic encephalopathy 94 (DEE94). Also called: CHD2-Related Neurodevelopmental Disorders; Epileptic encephalopathy, childhood-onset. Identifiers: Orphanet 1942, Orphanet 2382, MedGen C3809278, MONDO:0014150, OMIM 615369.
Inborn genetic diseases. Identifiers: MedGen C0950123, MeSH D030342.

Allele frequency attached by ClinVar (database versions not stated): gnomAD exomes below 0.00001; ExAC 0.00001.
gnomAD v4.1: 1 of 1,611,672 alleles (0.000062%); highest among the groups gnomAD compares: South Asian, 0.0011%; no homozygotes.

Submissions (2):

Ambry Genetics
Classification: Uncertain significance for Inborn genetic diseases. Last evaluated: 2024-02-12. Review status: criteria provided, single submitter. Criteria: Ambry Variant Classification Scheme 2023. Collection method: clinical testing. Allele origin: germline.
Comment: The c.2974-3T>C intronic alteration consists of a T to C substitution 3 nucleotides before exon 24 (coding exon 23) of the CHD2 gene. Based on insufficient or conflicting evidence, the clinical significance of this alteration remains unclear.

Labcorp Genetics (formerly Invitae), Labcorp
Classification: Uncertain significance for Developmental and epileptic encephalopathy 94. Last evaluated: 2020-04-27. Review status: criteria provided, single submitter. Criteria: Invitae Variant Classification Sherloc (09022015). Collection method: clinical testing. Allele origin: germline.
Comment: In summary, the available evidence is currently insufficient to determine the role of this variant in disease. Therefore, it has been classified as a Variant of Uncertain Significance. Nucleotide substitutions within the consensus splice site are a relatively common cause of aberrant splicing (PMID: 17576681, 9536098). Algorithms developed to predict the effect of sequence changes on RNA splicing suggest that this variant is not likely to affect RNA splicing, but this prediction has not been confirmed by published transcriptional studies. This variant has not been reported in the literature in individuals with CHD2-related conditions. This variant is present in population databases (rs778558788, ExAC 0.006%). This sequence change falls in intron 23 of the CHD2 gene. It does not directly change the encoded amino acid sequence of the CHD2 protein, but it affects a nucleotide within the consensus splice site of the intron.

Literature cited by the submitters: PubMed 17576681 (cited by Labcorp Genetics (formerly Invitae), Labcorp); PubMed 9536098 (cited by Labcorp Genetics (formerly Invitae), Labcorp).

NM_001271.4(CHD2):c.2974-3T>C

Genes: CHD2 (chromodomain helicase DNA binding protein 2; plus strand), LOC126862230 (P300/CBP strongly-dependent group 1 enhancer GRCh37_chr15:93523977-93525176; plus strand). Cytogenetic location: 15q26.1.
Variant type: single nucleotide variant.
Coding change: c.2974-3T>C on transcript NM_001271.4 (MANE Select); 3 bases into the intron before coding-DNA position 2974, T replaced by C.
Molecular consequence: intron variant.
Genome position (GRCh38, 1-based): chr15:92,981,362, T>C. VCF-style: chr15-92981362-T-C. GRCh37 (hg19) VCF-style: chr15-93524592-T-C.
Other names: c.2974-3T>C (NM_001271.3).
Identifiers: ClinVar variation 1019161 (VCV001019161.13), dbSNP rs778558788, ClinGen allele CA7748120.
Genomic context (GRCh38, chr15:92,981,362, plus strand): 5'-GGGCAACTAGGCAACTCATCTGTTGCCATTTTATTCTATTCGTGTTGGCTTTTGTTCTTT[T>C]AGGAAATGGATATAGATGAAATTTTGCGGTTGGCTGAAACGAGAGAGAATGAAGTGTCAA-3'